The following is an entry in ClinVar:

ClinVar aggregate classification (germline): Likely benign. Review status: criteria provided, multiple submitters, no conflicts (2 of 4 stars). 4 submissions from 4 submitters: Likely benign (3). 1 of the submissions does not count toward it. Last evaluated 2026-01-16.

Conditions:
Frasier syndrome. Identifiers: Orphanet 347, MedGen C0950122, MeSH D052159, MONDO:0007635, OMIM 136680.
Drash syndrome (DDS). Also called: WILMS TUMOR AND PSEUDO- OR TRUE HERMAPHRODITISM; NEPHROPATHY, WILMS TUMOR, AND GENITAL ANOMALIES. Identifiers: Orphanet 220, MedGen C0950121, MONDO:0008682, OMIM 194080.
Wilms tumor 1 (WT1). Also called: Wilms tumor, somatic. Identifiers: Orphanet 654, MedGen CN033288, MONDO:0008679, OMIM 194070.
11p partial monosomy syndrome (WAGR). Also called: WAGR syndrome; WAGR Complex; WAGR Spectrum Disorder; CHROMOSOME 11p13 DELETION SYNDROME. Identifiers: Orphanet 893, MedGen C0206115, MONDO:0008681, OMIM 194072.
WT1-related disorder. Also called: WT1-related disorders. Identifiers: MedGen CN377814.
Inborn genetic diseases. Identifiers: MedGen C0950123, MeSH D030342.

Allele frequency attached by ClinVar (database versions not stated): gnomAD 0.00002 and 0.00003; TOPMed 0.00002.
gnomAD v4.1: 28 of 1,613,980 alleles (0.0017%); highest among the groups gnomAD compares: Non-Finnish European, 0.0024%; no homozygotes.

Submissions (4):

Labcorp Genetics (formerly Invitae), Labcorp
Classification: Likely benign for Wilms tumor 1; Drash syndrome; 11p partial monosomy syndrome; Frasier syndrome. Last evaluated: 2026-01-16. Review status: criteria provided, single submitter. Criteria: Invitae Variant Classification Sherloc (09022015). Collection method: clinical testing. Allele origin: germline.

Ambry Genetics
Classification: Likely benign for Inborn genetic diseases. Last evaluated: 2025-02-05. Review status: criteria provided, single submitter. Criteria: Ambry Variant Classification Scheme 2023. Collection method: clinical testing. Allele origin: germline.

Color Diagnostics, LLC DBA Color Health
Classification: Likely benign for Wilms tumor 1. Last evaluated: 2023-08-02. Review status: criteria provided, single submitter. Criteria: ACMG Guidelines, 2015. Collection method: clinical testing. Allele origin: germline.

PreventionGenetics, part of Exact Sciences
Classification: Likely benign for WT1-related condition. Last evaluated: 2021-11-01. Review status: no assertion criteria provided. Collection method: clinical testing. Allele origin: germline. Not counted in ClinVar's aggregate classification.
Comment: This variant is classified as likely benign based on ACMG/AMP sequence variant interpretation guidelines (Richards et al. 2015 PMID: 25741868, with internal and published modifications).

NM_024426.6(WT1):c.1017-4G>C

Gene: WT1 (WT1 transcription factor; minus strand). Cytogenetic location: 11p13.
Variant type: single nucleotide variant.
Coding change: c.1017-4G>C on transcript NM_024426.6 (MANE Select); 4 bases into the intron before coding-DNA position 1017, G replaced by C.
Molecular consequence: intron variant.
Genome position (GRCh38, 1-based): chr11:32,400,048, C>G on the plus strand (G>C on the coding strand, the complement: WT1 is on the minus strand). VCF-style: chr11-32400048-C-G. GRCh37 (hg19) VCF-style: chr11-32421594-C-G.
Other names: c.843-4G>C (NM_001407050.1); c.894-4G>C (NM_001407047.1); c.966-4G>C (NM_001407048.1, NM_001407049.1, NM_000378.6 and 1 more transcripts); c.1017-10G>C (NM_001407044.1); c.1017-4G>C (NM_001407046.1, NM_024424.5); c.255-4G>C (NM_001407051.1); c.315-4G>C (NM_001198552.2); c.366-4G>C (NM_001198551.2); and 1 more.
Identifiers: ClinVar variation 705040 (VCV000705040.16), dbSNP rs1043846933, ClinGen allele CA219479575.